The following is an entry in ClinVar:

ClinVar aggregate classification (germline): Uncertain significance (1 of 4 stars; one submission).

Allele frequency attached by ClinVar (database versions not stated): gnomAD exomes 0.00001; ExAC 0.00002; TOPMed 0.00003.
gnomAD v4.1: 21 of 1,614,082 alleles (0.0013%); highest among the groups gnomAD compares: African/African-American, 0.0093%; no homozygotes.

Submission:

GeneDx
Classification: Uncertain significance. Last evaluated: 2019-07-30. Review status: criteria provided, single submitter. Criteria: GeneDx Variant Classification Process June 2021. Collection method: clinical testing. Allele origin: germline. Affected: yes.
Comment: Not observed at a significant frequency in large population cohorts (Lek et al., 2016); In silico analysis, which includes protein predictors and evolutionary conservation, supports that this variant does not alter protein structure/function; Has not been previously published as pathogenic or benign to our knowledge

NM_024678.6(NARS2):c.53C>T (p.Pro18Leu)

Gene: NARS2 (asparaginyl-tRNA synthetase 2, mitochondrial; minus strand). Cytogenetic location: 11q14.1.
Variant type: single nucleotide variant.
Coding change: c.53C>T on transcript NM_024678.6 (MANE Select); coding-DNA position 53, C replaced by T.
Protein change: p.Pro18Leu; replaces proline 18 with leucine.
Molecular consequence: missense variant. On other transcripts: intron variant (1).
Genome position (GRCh38, 1-based): chr11:78,574,436, G>A on the plus strand (C>T on the coding strand, the complement: NARS2 is on the minus strand). VCF-style: chr11-78574436-G-A. GRCh37 (hg19) VCF-style: chr11-78285481-G-A.
Other names: c.-541+393C>T (NM_001243251.2); short protein forms P18L.
Identifiers: ClinVar variation 1306973 (VCV001306973.2), dbSNP rs755639334, ClinGen allele CA6205991.
Genomic context (GRCh38, chr11:78,574,436, plus strand): 5'-TTCTGAGCCCCGAGAGCGTCCCGCACGCTCAGTTTGGCTGAAGGTTTGTGCTTGGGGAAG[G>A]GGGCGGAGGAACAGAAGCGCACGGACCGCAGCAGGCAGCGGACCCCCAGCATCCCGCGTC-3'
Protein context (NP_078954.4, residues 8-28): LRSVRFCSSA[Pro18Leu]FPKHKPSAKL